The following is an entry in ClinVar:

ClinVar aggregate classification (germline): Likely benign. Review status: criteria provided, multiple submitters, no conflicts (2 of 4 stars). 6 submissions from 6 submitters: Likely benign (5). 1 of the submissions does not count toward it. Last evaluated 2026-01-25.

Conditions:
NPHP3-related disorder. Also called: NPHP3-related condition; NPHP3-related disorders. Identifiers: MedGen CN379163.
Nephronophthisis. Also called: Juvenile Nephronophthisis. Identifiers: Orphanet 655, MedGen C0687120, MONDO:0019005, HP:0000090.

Allele frequency attached by ClinVar (database versions not stated): gnomAD exomes 0.00056; ExAC 0.00060; gnomAD 0.00148 and 0.00154; 1000 Genomes Project 30x 0.00156; 1000 Genomes Project 0.00160; TOPMed 0.00166; ESP Exome Variant Server 0.00185.
gnomAD v4.1: 504 of 1,613,932 alleles (0.031%); highest among the groups gnomAD compares: African/African-American, 0.43%; 2 homozygotes.

Submissions (6):

Labcorp Genetics (formerly Invitae), Labcorp
Classification: Likely benign for Nephronophthisis. Last evaluated: 2026-01-25. Review status: criteria provided, single submitter. Criteria: Invitae Variant Classification Sherloc (09022015). Collection method: clinical testing. Allele origin: germline.

CeGaT Center for Human Genetics Tuebingen
Classification: Likely benign. Last evaluated: 2025-02-01. Review status: criteria provided, single submitter. Criteria: CeGaT Center For Human Genetics Tuebingen Variant Classification Criteria Version 2. Collection method: clinical testing. Allele origin: germline. Affected: yes. Observed: 1 variant allele.
Comment: NPHP3: BS1

Blueprint Genetics
Classification: Likely benign. Last evaluated: 2024-10-24. Review status: criteria provided, single submitter. Criteria: ACMG Guidelines, 2015. Collection method: clinical testing. Allele origin: germline.

GeneDx
Classification: Likely benign. Last evaluated: 2020-05-08. Review status: criteria provided, single submitter. Criteria: GeneDx Variant Classification Process June 2021. Collection method: clinical testing. Allele origin: germline. Affected: yes.

Eurofins Ntd Llc (ga)
Classification: Likely benign. Last evaluated: 2017-12-06. Review status: criteria provided, single submitter. Criteria: EGL Classification Definitions 2015. Collection method: clinical testing. Allele origin: germline. Observed: 4 variant alleles, 4 heterozygotes.

PreventionGenetics, part of Exact Sciences
Classification: Likely benign for NPHP3-related condition. Last evaluated: 2021-03-16. Review status: no assertion criteria provided. Collection method: clinical testing. Allele origin: germline. Not counted in ClinVar's aggregate classification.
Comment: This variant is classified as likely benign based on ACMG/AMP sequence variant interpretation guidelines (Richards et al. 2015 PMID: 25741868, with internal and published modifications).

NM_153240.5(NPHP3):c.3221G>A (p.Arg1074His)

Genes: NPHP3 (nephrocystin 3; minus strand), NPHP3-ACAD11 (NPHP3-ACAD11 readthrough (NMD candidate); minus strand). Cytogenetic location: 3q22.1.
Variant type: single nucleotide variant.
Coding change: c.3221G>A on transcript NM_153240.5 (MANE Select); coding-DNA position 3221, G replaced by A.
Protein change: p.Arg1074His; replaces arginine 1074 with histidine.
Molecular consequence: missense variant. On other transcripts: non-coding transcript variant (1).
Genome position (GRCh38, 1-based): chr3:132,686,368, C>T on the plus strand (G>A on the coding strand, the complement: NPHP3 is on the minus strand). VCF-style: chr3-132686368-C-T. GRCh37 (hg19) VCF-style: chr3-132405212-C-T.
Other names: short protein forms R1074H.
Identifiers: ClinVar variation 281975 (VCV000281975.35), dbSNP rs144781228, ClinGen allele CA2621796.